The following is an entry in ClinVar:

ClinVar aggregate classification (germline): Benign/Likely benign. Review status: criteria provided, multiple submitters, no conflicts (2 of 4 stars). 6 submissions from 5 submitters: Benign (4); Likely benign (2). Last evaluated 2025-07-01.

Conditions:
Familial visceral amyloidosis, Ostertag type (AMYLD2). Also called: Hereditary Renal Amyloidosis; Ostertag type amyloidosis; AMYLOIDOSIS, HEREDITARY SYSTEMIC 2; AMYLOIDOSIS VIII; Amyloidosis, hepatic and systemic; Familial visceral amyloidosis. Identifiers: Orphanet 85450, MedGen C0268389, MONDO:0007099, OMIM 105200.
Congenital afibrinogenemia. Identifiers: Orphanet 335, Orphanet 98880, MedGen C2584774, MONDO:0008737, OMIM 202400.

Allele frequency attached by ClinVar (database versions not stated): gnomAD 0.00002 and 0.00081; TOPMed 0.00017; gnomAD exomes 0.00324; ExAC 0.00394; 1000 Genomes Project 30x 0.00718; 1000 Genomes Project 0.00739.
gnomAD v4.1: 2,344 of 1,613,336 alleles (0.15%); highest among the groups gnomAD compares: South Asian, 2.4%; 62 homozygotes.

Submissions (6):

CeGaT Center for Human Genetics Tuebingen
Classification: Likely benign. Last evaluated: 2025-07-01. Review status: criteria provided, single submitter. Criteria: CeGaT Center For Human Genetics Tuebingen Variant Classification Criteria Version 2. Collection method: clinical testing. Allele origin: germline. Affected: yes. Observed: 1 variant allele.
Comment: FGA: BP4

Women's Health and Genetics/Laboratory Corporation of America, LabCorp
Classification: Likely benign. Last evaluated: 2023-08-23. Review status: criteria provided, single submitter. Criteria: LabCorp Variant Classification Summary - May 2015. Collection method: clinical testing. Allele origin: germline.
Comment: Variant summary: FGA c.904C>G (p.Pro302Ala) results in a non-conservative amino acid change in the encoded protein sequence. Three of five in-silico tools predict a benign effect of the variant on protein function. The variant allele was found at a frequency of 0.0032 in 251186 control chromosomes, predominantly at a frequency of 0.026 within the South Asian subpopulation in the gnomAD database, including 21 homozygotes, strongly suggesting that the variant is a benign polymorphism found primarily in populations of South Asian origin. This report does not provide unequivocal conclusions about association of the variant with Dysfibrinogenemia, Congenital. To our knowledge, no experimental evidence demonstrating an impact on protein function has been reported. The following publication has been ascertained in the context of this evaluation (PMID: 28912669). Two submitters have cited clinical-significance assessments for this variant to ClinVar after 2014. Both submitters classified the variant as benign. Based on the evidence outlined above, the variant was classified as likely benign.

Labcorp Genetics (formerly Invitae), Labcorp
Classification: Benign. Last evaluated: 2019-12-31. Review status: criteria provided, single submitter. Criteria: Invitae Variant Classification Sherloc (09022015). Collection method: clinical testing. Allele origin: germline.

Illumina Laboratory Services, Illumina
Classification: Benign for Familial visceral amyloidosis, Ostertag type. Last evaluated: 2018-01-13. Review status: criteria provided, single submitter. Criteria: ICSL Variant Classification Criteria 13 December 2019. Collection method: clinical testing. Allele origin: germline.
Comment: This variant was observed in the ICSL laboratory as part of a predisposition screen in an ostensibly healthy population. It had not been previously curated by ICSL or reported in the Human Gene Mutation Database (HGMD: prior to June 1st, 2018), and was therefore a candidate for classification through an automated scoring system. Utilizing variant allele frequency, disease prevalence and penetrance estimates, and inheritance mode, an automated score was calculated to assess if this variant is too frequent to cause the disease. Based on the score and internal cut-off values, a variant classified as benign is not then subjected to further curation. The score for this variant resulted in a classification of benign for this disease.

Illumina Laboratory Services, Illumina
Classification: Benign for Congenital afibrinogenemia. Last evaluated: 2018-01-13. Review status: criteria provided, single submitter. Criteria: ICSL Variant Classification Criteria 13 December 2019. Collection method: clinical testing. Allele origin: germline.
Comment: the same text as in the submission from Illumina Laboratory Services, Illumina above.

Breakthrough Genomics
Classification: Benign. Review status: criteria provided, single submitter. Criteria: ACMG Guidelines, 2015. Collection method: not provided. Allele origin: germline. Inheritance: Autosomal recessive inheritance. Affected: yes.

Literature cited by the submitters: PubMed 28912669 (cited by Women's Health and Genetics/Laboratory Corporation of America, LabCorp).

NM_021871.4(FGA):c.904C>G (p.Pro302Ala)

Gene: FGA (fibrinogen alpha chain; minus strand). Cytogenetic location: 4q31.3.
Variant type: single nucleotide variant.
Coding change: c.904C>G on transcript NM_021871.4 (MANE Select); coding-DNA position 904, C replaced by G.
Protein change: p.Pro302Ala; replaces proline 302 with alanine.
Molecular consequence: missense variant.
Genome position (GRCh38, 1-based): chr4:154,586,525, G>C on the plus strand (C>G on the coding strand, the complement: FGA is on the minus strand). VCF-style: chr4-154586525-G-C. GRCh37 (hg19) VCF-style: chr4-155507677-G-C.
Other names: c.904C>G, p.Pro302Ala (NM_000508.5); c.904C>G (LRG_557t2); short protein forms P302A.
Identifiers: ClinVar variation 347814 (VCV000347814.19), dbSNP rs200203992, ClinGen allele CA3115199.